The following is an entry in ClinVar:

NM_000246.4(CIITA):c.2302C>T (p.Arg768Cys)

Gene: CIITA (class II major histocompatibility complex transactivator; plus strand). Cytogenetic location: 16p13.13.
Variant type: single nucleotide variant.
Coding change: c.2302C>T on transcript NM_000246.4 (MANE Select); coding-DNA position 2302, C replaced by T.
Protein change: p.Arg768Cys; replaces arginine 768 with cysteine.
Molecular consequence: missense variant. On other transcripts: intron variant (1).
Genome position (GRCh38, 1-based): chr16:10,907,794, C>T. VCF-style: chr16-10907794-C-T. GRCh37 (hg19) VCF-style: chr16-11001651-C-T.
Other names: c.2305C>T, p.Arg769Cys (NM_001286402.1, NM_001379332.1); c.2158C>T, p.Arg720Cys (NM_001379330.1); c.2155C>T, p.Arg719Cys (NM_001379331.1); c.2302C>T, p.Arg768Cys (NM_001379333.1); c.2233C>T, p.Arg745Cys (NM_001379334.1); c.860-1189C>T (NM_001286403.2); short protein forms R720C, R745C, R768C, R719C, R769C.
Identifiers: ClinVar variation 2167447 (VCV002167447.1), dbSNP rs200144896, ClinGen allele CA7900341.

ClinVar aggregate classification (germline): Uncertain significance (1 of 4 stars; one submission).

Conditions:
MHC class II deficiency. Also called: Bare lymphocyte syndrome 2; BLS, TYPE II. Identifiers: Orphanet 572, MedGen C5447452, MONDO:0008855.

Allele frequency attached by ClinVar (database versions not stated): ExAC 0.00001; gnomAD 0.00001; TOPMed 0.00001; 1000 Genomes Project 30x 0.00016; 1000 Genomes Project 0.00020.
gnomAD v4.1: 19 of 1,614,174 alleles (0.0012%); highest among the groups gnomAD compares: East Asian, 0.0022%; no homozygotes.

Submission:

Labcorp Genetics (formerly Invitae), Labcorp
Classification: Uncertain significance for MHC class II deficiency. Last evaluated: 2022-07-12. Review status: criteria provided, single submitter. Criteria: Invitae Variant Classification Sherloc (09022015). Collection method: clinical testing. Allele origin: germline.
Comment: This sequence change replaces arginine, which is basic and polar, with cysteine, which is neutral and slightly polar, at codon 768 of the CIITA protein (p.Arg768Cys). This variant is present in population databases (rs200144896, gnomAD 0.0009%). This variant has not been reported in the literature in individuals affected with CIITA-related conditions. Algorithms developed to predict the effect of missense changes on protein structure and function output the following: SIFT: "Tolerated"; PolyPhen-2: "Benign"; Align-GVGD: "Class C0". The cysteine amino acid residue is found in multiple mammalian species, which suggests that this missense change does not adversely affect protein function. In summary, the available evidence is currently insufficient to determine the role of this variant in disease. Therefore, it has been classified as a Variant of Uncertain Significance.